The following is an entry in ClinVar:

ClinVar aggregate classification (germline): Uncertain significance (1 of 4 stars; one submission).

Conditions:
Asphyxiating thoracic dystrophy 3. Also called: Saldino-Noonan Syndrome; SHORT-RIB THORACIC DYSPLASIA 3 WITH OR WITHOUT POLYDACTYLY; POLYDACTYLY WITH NEONATAL CHONDRODYSTROPHY, TYPE I; Short rib polydactyly syndrome 2B; SHORT-RIB THORACIC DYSPLASIA 3/6 WITH POLYDACTYLY, DIGENIC. Identifiers: Orphanet 474, Orphanet 93269, Orphanet 93270, Orphanet 93271, MedGen C0036069, MONDO:0013127, OMIM 613091.

Allele frequency attached by ClinVar (database versions not stated): TOPMed below 0.00001; gnomAD 0.00001.
gnomAD v4.1: 9 of 1,610,848 alleles (0.00056%); highest among the groups gnomAD compares: East Asian, 0.0022%; no homozygotes.

Submission:

Baylor Genetics
Classification: Uncertain significance for Asphyxiating thoracic dystrophy 3. Last evaluated: 2017-09-01. Review status: criteria provided, single submitter. Criteria: ACMG Guidelines, 2015. Collection method: clinical testing. Allele origin: maternal. Inheritance: Autosomal recessive inheritance. Affected: yes.
Comment: Likely pathogenicity based on finding it once in our laboratory in trans with a known pathogenic mutation in two sibs with short rib polydactyly syndrome.

Literature cited by the submitters: PubMed 25326635.

NM_001377.3(DYNC2H1):c.11048C>T (p.Pro3683Leu)

Gene: DYNC2H1 (dynein cytoplasmic 2 heavy chain 1; plus strand). Cytogenetic location: 11q22.3.
Variant type: single nucleotide variant.
Coding change: c.11048C>T on transcript NM_001377.3 (MANE Select); coding-DNA position 11048, C replaced by T.
Protein change: p.Pro3683Leu; replaces proline 3683 with leucine.
Molecular consequence: missense variant.
Genome position (GRCh38, 1-based): chr11:103,287,558, C>T. VCF-style: chr11-103287558-C-T. GRCh37 (hg19) VCF-style: chr11-103158287-C-T.
Other names: c.11069C>T, p.Pro3690Leu (NM_001080463.2); short protein forms P3690L, P3683L.
Identifiers: ClinVar variation 560996 (VCV000560996.2), dbSNP rs1297881996, ClinGen allele CA382258895.
Genomic context (GRCh38, chr11:103,287,558, plus strand): 5'-TTATTCTTTAAAAATATTCTGCATTTTATTTTAAGATTCTTGTAGTACAGGCGCTAAGAC[C>T]GGACAGATTGCAAAGTGCCATGGCTCTTTTTGCATGTAAAACTCTGGGTAAGTGTGATGC-3'
Protein context (NP_001368.2, residues 3673-3693): QQILVVQALR[Pro3683Leu]DRLQSAMALF